The following is an entry in ClinVar:

ClinVar aggregate classification (germline): Conflicting classifications of pathogenicity. Review status: criteria provided, conflicting classifications (1 of 4 stars). 5 submissions from 5 submitters: Pathogenic (3); Likely pathogenic (1); Uncertain significance (1). Last evaluated 2024-01-24.

Conditions:
Developmental and epileptic encephalopathy 94 (DEE94). Also called: CHD2-Related Neurodevelopmental Disorders; Epileptic encephalopathy, childhood-onset. Identifiers: Orphanet 1942, Orphanet 2382, MedGen C3809278, MONDO:0014150, OMIM 615369.
Complex neurodevelopmental disorder. Identifiers: Orphanet 528084, MedGen C5568766, MONDO:0100038.

Submissions (5):

Labcorp Genetics (formerly Invitae), Labcorp
Classification: Pathogenic for Developmental and epileptic encephalopathy 94. Last evaluated: 2024-01-24. Review status: criteria provided, single submitter. Criteria: Invitae Variant Classification Sherloc (09022015). Collection method: clinical testing. Allele origin: germline.
Comment: This sequence change replaces tryptophan, which is neutral and slightly polar, with leucine, which is neutral and non-polar, at codon 1261 of the CHD2 protein (p.Trp1261Leu). This variant is not present in population databases (gnomAD no frequency). This missense change has been observed in individual(s) with clinical features of CHD2-related conditions (PMID: 31618753). In at least one individual the variant was observed to be de novo. ClinVar contains an entry for this variant (Variation ID: 432036). Advanced modeling of protein sequence and biophysical properties (such as structural, functional, and spatial information, amino acid conservation, physicochemical variation, residue mobility, and thermodynamic stability) performed at Invitae indicates that this missense variant is expected to disrupt CHD2 protein function with a positive predictive value of 95%. This variant disrupts the p.Trp1261 amino acid residue in CHD2. Other variant(s) that disrupt this residue have been determined to be pathogenic (PMID: 34713950; Invitae). This suggests that this residue is clinically significant, and that variants that disrupt this residue are likely to be disease-causing. For these reasons, this variant has been classified as Pathogenic.

Eurofins-Biomnis
Classification: Pathogenic for Developmental and epileptic encephalopathy 94. Last evaluated: 2022-11-01. Review status: criteria provided, single submitter. Criteria: Accession Criteria ClinVar Biomnis. Collection method: clinical testing. Allele origin: de novo. Affected: yes. Observed: 1 heterozygote.

GeneDx
Classification: Pathogenic. Last evaluated: 2022-02-08. Review status: criteria provided, single submitter. Criteria: GeneDx Variant Classification Process June 2021. Collection method: clinical testing. Allele origin: germline. Affected: yes.
Comment: Not observed at significant frequency in large population cohorts (gnomAD); In silico analysis supports that this missense variant has a deleterious effect on protein structure/function; This variant is associated with the following publications: (PMID: 31618753)

Revvity Omics, Revvity
Classification: Uncertain significance for Developmental and epileptic encephalopathy 94. Last evaluated: 2021-04-30. Review status: criteria provided, single submitter. Criteria: ACMG Guidelines, 2015. Collection method: clinical testing. Allele origin: germline.

Institute of Human Genetics, University of Leipzig Medical Center
Classification: Likely pathogenic for Developmental and epileptic encephalopathy 94. Last evaluated: 2017-11-16. Review status: criteria provided, single submitter. Criteria: ACMG Guidelines, 2015. Collection method: clinical testing. Allele origin: de novo. Affected: yes. Observed: 1 variant allele.
Comment: This variant was identified as de novo (maternity and paternity confirmed).

Literature cited by the submitters: PubMed 31618753 (cited by Labcorp Genetics (formerly Invitae), Labcorp); PubMed 34713950 (cited by Labcorp Genetics (formerly Invitae), Labcorp).

NM_001271.4(CHD2):c.3782G>T (p.Trp1261Leu)

Gene: CHD2 (chromodomain helicase DNA binding protein 2; plus strand). Cytogenetic location: 15q26.1.
Variant type: single nucleotide variant.
Coding change: c.3782G>T on transcript NM_001271.4 (MANE Select); coding-DNA position 3782, G replaced by T.
Protein change: p.Trp1261Leu; replaces tryptophan 1261 with leucine.
Molecular consequence: missense variant.
Genome position (GRCh38, 1-based): chr15:92,997,300, G>T. VCF-style: chr15-92997300-G-T. GRCh37 (hg19) VCF-style: chr15-93540530-G-T.
Other names: short protein forms W1261L.
Identifiers: ClinVar variation 432036 (VCV000432036.14), dbSNP rs1555444603, ClinGen allele CA393898409.